The following is an entry in ClinVar:

ClinVar aggregate classification (germline): Uncertain significance (1 of 4 stars; one submission).

Conditions:
Nephronophthisis 14 (NPHP14). Identifiers: Orphanet 2318, MedGen C3539071, MONDO:0013916, OMIM 614844.

Allele frequency attached by ClinVar (database versions not stated): gnomAD exomes 0.00001.
gnomAD v4.1: 14 of 1,614,040 alleles (0.00087%); highest among the groups gnomAD compares: Non-Finnish European, 0.0011%; no homozygotes.

Submission:

Labcorp Genetics (formerly Invitae), Labcorp
Classification: Uncertain significance for Nephronophthisis 14. Last evaluated: 2022-03-13. Review status: criteria provided, single submitter. Criteria: Invitae Variant Classification Sherloc (09022015). Collection method: clinical testing. Allele origin: germline.
Comment: This sequence change replaces glycine, which is neutral and non-polar, with aspartic acid, which is acidic and polar, at codon 1227 of the ZNF423 protein (p.Gly1227Asp). This variant is present in population databases (no rsID available, gnomAD 0.0009%). This variant has not been reported in the literature in individuals affected with ZNF423-related conditions. Algorithms developed to predict the effect of missense changes on protein structure and function (SIFT, PolyPhen-2, Align-GVGD) all suggest that this variant is likely to be tolerated. In summary, the available evidence is currently insufficient to determine the role of this variant in disease. Therefore, it has been classified as a Variant of Uncertain Significance.

NM_001379286.1(ZNF423):c.3704G>A (p.Gly1235Asp)

Gene: ZNF423 (zinc finger protein 423; minus strand). Cytogenetic location: 16q12.1.
Variant type: single nucleotide variant.
Coding change: c.3704G>A on transcript NM_001379286.1 (MANE Select); coding-DNA position 3704, G replaced by A.
Protein change: p.Gly1235Asp; replaces glycine 1235 with aspartic acid.
Molecular consequence: missense variant.
Genome position (GRCh38, 1-based): chr16:49,525,392, C>T on the plus strand (G>A on the coding strand, the complement: ZNF423 is on the minus strand). VCF-style: chr16-49525392-C-T. GRCh37 (hg19) VCF-style: chr16-49559303-C-T.
Other names: c.3500G>A, p.Gly1167Asp (NM_001271620.2); c.3329G>A, p.Gly1110Asp (NM_001330533.2); c.3680G>A, p.Gly1227Asp (NM_015069.5); short protein forms G1110D, G1167D, G1227D, G1235D.
Identifiers: ClinVar variation 1926673 (VCV001926673.5), dbSNP rs1252326214, ClinGen allele CA395830313.
Genomic context (GRCh38, chr16:49,525,392, plus strand): 5'-TCCCCTGAGGGGCACAAGCTGGGTACCTTACCTGTGAAACACACGGGGCATTTGAAGGTG[C>T]CGCCCATGCCCTCGAAGCTGTGCTCAATGAGGTGACAGAGGAGCTTGGCCGGGGAGTCGA-3'
Protein context (NP_001366215.1, residues 1225-1245): LIEHSFEGMG[Gly1235Asp]TFKCPVCFTV